The following is an entry in ClinVar:

NM_020921.4(NIN):c.3403G>A (p.Val1135Ile)

Gene: NIN (ninein; minus strand). Cytogenetic location: 14q22.1.
Variant type: single nucleotide variant.
Coding change: c.3403G>A on transcript NM_020921.4 (MANE Select); coding-DNA position 3403, G replaced by A.
Protein change: p.Val1135Ile; replaces valine 1135 with isoleucine.
Molecular consequence: missense variant. On other transcripts: intron variant (1).
Genome position (GRCh38, 1-based): chr14:50,757,627, C>T on the plus strand (G>A on the coding strand, the complement: NIN is on the minus strand). VCF-style: chr14-50757627-C-T. GRCh37 (hg19) VCF-style: chr14-51224345-C-T.
Other names: c.3403G>A, p.Val1135Ile (NM_182944.3, NM_182946.2); c.2399+2230G>A (NM_016350.5); short protein forms V1135I.
Identifiers: ClinVar variation 1336725 (VCV001336725.11), dbSNP rs150722174, ClinGen allele CA7181741.
Genomic context (GRCh38, chr14:50,757,627, plus strand): 5'-GGTCCCGGACCTCATCATCTTCCAGGTCACTTAGGACATGCCGCCTGGTCACACCTTCTA[C>T]TTGCTTCGTTCGGTTTTGCTGTAAAAACTGCTCTGTTTGTTCCGCAGTATTTCCAAAAAA-3'
Protein context (NP_065972.4, residues 1125-1145): QFLQQNRTKQ[Val1135Ile]EGVTRRHVLS

ClinVar aggregate classification (germline): Uncertain significance. Review status: criteria provided, multiple submitters, no conflicts (2 of 4 stars). 4 submissions from 4 submitters: Uncertain significance (4). Last evaluated 2025-10-26.

Allele frequency attached by ClinVar (database versions not stated): gnomAD 0.00009; ESP Exome Variant Server 0.00023.
gnomAD v4.1: 149 of 1,614,058 alleles (0.0092%); highest among the groups gnomAD compares: Non-Finnish European, 0.012%; no homozygotes.

Submissions (4):

Labcorp Genetics (formerly Invitae), Labcorp
Classification: Uncertain significance. Last evaluated: 2025-10-26. Review status: criteria provided, single submitter. Criteria: Invitae Variant Classification Sherloc (09022015). Collection method: clinical testing. Allele origin: germline.
Comment: This sequence change replaces valine, which is neutral and non-polar, with isoleucine, which is neutral and non-polar, at codon 1135 of the NIN protein (p.Val1135Ile). This variant is present in population databases (rs150722174, gnomAD 0.02%). This variant has not been reported in the literature in individuals affected with NIN-related conditions. ClinVar contains an entry for this variant (Variation ID: 1336725). An algorithm developed to predict the effect of missense changes on protein structure and function outputs the following: PolyPhen-2: "Benign". The isoleucine amino acid residue is found in multiple mammalian species, which suggests that this missense change does not adversely affect protein function. In summary, the available evidence is currently insufficient to determine the role of this variant in disease. Therefore, it has been classified as a Variant of Uncertain Significance.

Ambry Genetics
Classification: Uncertain significance. Last evaluated: 2024-12-11. Review status: criteria provided, single submitter. Criteria: Ambry Variant Classification Scheme 2023. Collection method: clinical testing. Allele origin: germline.

Women's Health and Genetics/Laboratory Corporation of America, LabCorp
Classification: Uncertain significance. Last evaluated: 2023-03-30. Review status: criteria provided, single submitter. Criteria: LabCorp Variant Classification Summary - May 2015. Collection method: clinical testing. Allele origin: germline.
Comment: Variant summary: NIN c.3403G>A (p.Val1135Ile) results in a conservative amino acid change in the encoded protein sequence. Four of four in-silico tools predict a benign effect of the variant on protein function. The variant allele was found at a frequency of 8.7e-05 in 251490 control chromosomes (gnomAD). To our knowledge, no occurrence of c.3403G>A in individuals affected with Seckel Syndrome 7 and no experimental evidence demonstrating its impact on protein function have been reported. Three ClinVar submitters (evaluation after 2014) cite this variant as uncertain significance. Based on the evidence outlined above, the variant was classified as uncertain significance.

Genetic Services Laboratory, University of Chicago
Classification: Uncertain significance. Last evaluated: 2018-05-15. Review status: criteria provided, single submitter. Criteria: ACMG Guidelines, 2015. Collection method: clinical testing. Allele origin: germline. Affected: no.